The following is an entry in ClinVar:

NM_001354930.2(RIPK1):c.970G>A (p.Asp324Asn)

Gene: RIPK1 (receptor interacting serine/threonine kinase 1; plus strand). Cytogenetic location: 6p25.2.
Variant type: single nucleotide variant.
Coding change: c.970G>A on transcript NM_001354930.2 (MANE Select); coding-DNA position 970, G replaced by A.
Protein change: p.Asp324Asn; replaces aspartic acid 324 with asparagine.
Molecular consequence: missense variant.
Genome position (GRCh38, 1-based): chr6:3,104,279, G>A. VCF-style: chr6-3104279-G-A. GRCh37 (hg19) VCF-style: chr6-3104513-G-A.
Other names: c.481G>A, p.Asp161Asn (NM_001317061.3, NM_001354932.2, NM_001354933.2 and 1 more transcripts); c.832G>A, p.Asp278Asn (NM_001354931.2); c.970G>A, p.Asp324Asn (NM_003804.6); short protein forms D324N, D278N, D161N.
Identifiers: ClinVar variation 870218 (VCV000870218.5), dbSNP rs1760720617, ClinGen allele CA362570192.

ClinVar aggregate classification (germline): Pathogenic. Review status: criteria provided, multiple submitters, no conflicts (2 of 4 stars). 3 submissions from 3 submitters: Pathogenic (2). 1 of the submissions does not count toward it. Last evaluated 2025-06-16.

Conditions:
Autoinflammation with episodic fever and lymphadenopathy. Also called: CLEAVAGE-RESISTANT RIPK1-INDUCED AUTOINFLAMMATORY SYNDROME; CRIA SYNDROME. Identifiers: MedGen C5394286, MONDO:0030018, OMIM 618852.

Submissions (3):

Women's Health and Genetics/Laboratory Corporation of America, LabCorp
Classification: Pathogenic for Autoinflammation with episodic fever and lymphadenopathy. Last evaluated: 2025-06-16. Review status: criteria provided, single submitter. Criteria: LabCorp Variant Classification Summary - May 2015. Collection method: clinical testing. Allele origin: germline.
Comment: Variant summary: RIPK1 c.970G>A (p.Asp324Asn) results in a conservative amino acid change in the encoded protein sequence. Algorithms developed to predict the effect of missense changes on protein structure and function are either unavailable or do not agree on the potential impact of this missense change. The variant was absent in 249992 control chromosomes (gnomAD). c.970G>A has been observed in one individual affected with Autoinflammation with episodic fever and lymphadenopathy and observed to be de novo (Lalaoui_2020). At least one publication reports experimental evidence evaluating an impact on protein function and this variant affected the RIPK1 protein function (Lalaoui_2020). In addition, CRIA syndrome has been associated with different RIPK1 variants located at amino acid residue Asp324 (p.Asp324His, p.Asp324Asn, p.Asp324Tyr, and p.Asp324Val). At least one variant (p.Asp324His) has been classified as pathogenic in ClinVar, suggesting that this residue is clinically significant. The following publications have been ascertained in the context of this evaluation (PMID: 31827281, 35716229). ClinVar contains an entry for this variant (Variation ID: 870218). Based on the evidence outlined above, the variant was classified as pathogenic.

Labcorp Genetics (formerly Invitae), Labcorp
Classification: Pathogenic. Last evaluated: 2024-04-02. Review status: criteria provided, single submitter. Criteria: Invitae Variant Classification Sherloc (09022015). Collection method: clinical testing. Allele origin: germline.
Comment: This sequence change replaces aspartic acid, which is acidic and polar, with asparagine, which is neutral and polar, at codon 324 of the RIPK1 protein (p.Asp324Asn). This variant is not present in population databases (gnomAD no frequency). This missense change has been observed in individual(s) with autosomal dominant autoinflammation with episodic fever and lymphadenopathy (PMID: 31827281). In at least one individual the variant was observed to be de novo. ClinVar contains an entry for this variant (Variation ID: 870218). An algorithm developed to predict the effect of missense changes on protein structure and function (PolyPhen-2) suggests that this variant is likely to be disruptive. Experimental studies have shown that this missense change affects RIPK1 function (PMID: 31827281). This variant disrupts the p.Asp324 amino acid residue in RIPK1. Other variant(s) that disrupt this residue have been determined to be pathogenic (PMID: 31827281). This suggests that this residue is clinically significant, and that variants that disrupt this residue are likely to be disease-causing. For these reasons, this variant has been classified as Pathogenic.

OMIM
Classification: Pathogenic for AUTOINFLAMMATION WITH EPISODIC FEVER AND LYMPHADENOPATHY. Last evaluated: 2020-04-29. Review status: no assertion criteria provided. Collection method: literature only. Allele origin: germline. Not counted in ClinVar's aggregate classification.

Literature cited by the submitters: PubMed 31827281 (cited by 3 submitters); PubMed 35716229 (cited by Women's Health and Genetics/Laboratory Corporation of America, LabCorp).